The following is an entry in ClinVar:

ClinVar aggregate classification (germline): Likely benign. Review status: criteria provided, multiple submitters, no conflicts (2 of 4 stars). 2 submissions from 2 submitters: Likely benign (2). Last evaluated 2026-02-12.

Conditions:
SH2B1-related disorder. Also called: SH2B1-related condition.

Allele frequency attached by ClinVar (database versions not stated): ExAC 0.00001; gnomAD 0.00001; gnomAD exomes 0.00001; TOPMed 0.00002.
gnomAD v4.1: 10 of 1,614,072 alleles (0.00062%); highest among the groups gnomAD compares: Non-Finnish European, 0.00076%; no homozygotes.

Submissions (2):

PreventionGenetics, part of Exact Sciences
Classification: Likely benign for SH2B1-related condition. Last evaluated: 2026-02-12. Review status: criteria provided, single submitter. Criteria: ACMG Guidelines, 2015. Collection method: clinical testing. Allele origin: germline.
Comment: This variant is classified as likely benign based on ACMG/AMP sequence variant interpretation guidelines (Richards et al. 2015 PMID: 25741868, with internal and published modifications).

Labcorp Genetics (formerly Invitae), Labcorp
Classification: Likely benign. Last evaluated: 2018-04-26. Review status: criteria provided, single submitter. Criteria: Invitae Variant Classification Sherloc (09022015). Collection method: clinical testing. Allele origin: germline.

NM_001387430.1(SH2B1):c.1776G>T (p.Leu592=)

Gene: SH2B1 (SH2B adaptor protein 1; plus strand). Cytogenetic location: 16p11.2.
Variant type: single nucleotide variant.
Coding change: c.1776G>T on transcript NM_001387430.1 (MANE Select); coding-DNA position 1776, G replaced by T.
Protein change: p.Leu592=; no amino-acid change (leucine 592 retained).
Molecular consequence: synonymous variant.
Genome position (GRCh38, 1-based): chr16:28,872,584, G>T. VCF-style: chr16-28872584-G-T. GRCh37 (hg19) VCF-style: chr16-28883905-G-T.
Other names: c.1776G>T, p.Leu592= (NM_001145795.2, NM_001145796.2, NM_001145797.2 and 4 more transcripts); c.768G>T, p.Leu256= (NM_001308294.2).
Identifiers: ClinVar variation 736638 (VCV000736638.4), dbSNP rs750610428, ClinGen allele CA7986297.